The following is an entry in ClinVar:

NM_020937.4(FANCM):c.278A>T (p.Asp93Val)

Gene: FANCM (FA complementation group M; plus strand). Cytogenetic location: 14q21.2.
Variant type: single nucleotide variant.
Coding change: c.278A>T on transcript NM_020937.4 (MANE Select); coding-DNA position 278, A replaced by T.
Protein change: p.Asp93Val; replaces aspartic acid 93 with valine.
Molecular consequence: missense variant.
Genome position (GRCh38, 1-based): chr14:45,136,309, A>T. VCF-style: chr14-45136309-A-T. GRCh37 (hg19) VCF-style: chr14-45605512-A-T.
Other names: c.278A>T, p.Asp93Val (NM_001308133.2, NM_001308134.2); short protein forms D93V.
Identifiers: ClinVar variation 5021518 (VCV005021518.1).

ClinVar aggregate classification (germline): Uncertain significance (1 of 4 stars; one submission).

Conditions:
Inborn genetic diseases. Identifiers: MedGen C0950123, MeSH D030342.

Submission:

Ambry Genetics
Classification: Uncertain significance for Inborn genetic diseases. Last evaluated: 2026-08-25. Review status: criteria provided, single submitter. Criteria: Ambry Variant Classification Scheme 2023. Collection method: clinical testing. Allele origin: germline.
Comment: The p.D93V variant (also known as c.278A>T), located in coding exon 1 of the FANCM gene, results from an A to T substitution at nucleotide position 278. The aspartic acid at codon 93 is replaced by valine, an amino acid with highly dissimilar properties. This amino acid position is conserved. In addition, the in silico prediction for this alteration is inconclusive. Based on the available evidence, the clinical significance of this variant remains unclear.